The following is an entry in ClinVar:

ClinVar aggregate classification (germline): Uncertain significance. Review status: criteria provided, multiple submitters, no conflicts (2 of 4 stars). 2 submissions from 2 submitters: Uncertain significance (2). Last evaluated 2024-04-05.

Conditions:
Marfan syndrome (MFS). Also called: FBN1-Related Marfan Syndrome; MARFAN SYNDROME, TYPE I; Marfan syndrome type 1; Marfan's syndrome; Marfan syndrome, classic. Identifiers: Orphanet 284963, Orphanet 558, MedGen C0024796, MONDO:0007947, OMIM 154700.
Familial thoracic aortic aneurysm and aortic dissection (TAAD). Also called: Thoracic aortic aneurysms and dissections. Identifiers: Orphanet 91387, MedGen C4707243, MONDO:0019625.

Submissions (2):

Labcorp Genetics (formerly Invitae), Labcorp
Classification: Uncertain significance for Marfan syndrome; Familial thoracic aortic aneurysm and aortic dissection. Last evaluated: 2024-04-05. Review status: criteria provided, single submitter. Criteria: Invitae Variant Classification Sherloc (09022015). Collection method: clinical testing. Allele origin: germline.
Comment: This sequence change replaces asparagine, which is neutral and polar, with lysine, which is basic and polar, at codon 497 of the FBN1 protein (p.Asn497Lys). This variant is not present in population databases (gnomAD no frequency). This missense change has been observed in individual(s) with clinical features of FBN1-related conditions (PMID: 27307692; Invitae). Advanced modeling of protein sequence and biophysical properties (such as structural, functional, and spatial information, amino acid conservation, physicochemical variation, residue mobility, and thermodynamic stability) has been performed at Invitae for this missense variant, however the output from this modeling did not meet the statistical confidence thresholds required to predict the impact of this variant on FBN1 protein function. In summary, the available evidence is currently insufficient to determine the role of this variant in disease. Therefore, it has been classified as a Variant of Uncertain Significance.

Color Diagnostics, LLC DBA Color Health
Classification: Uncertain significance for Familial thoracic aortic aneurysm and aortic dissection. Last evaluated: 2023-11-13. Review status: criteria provided, single submitter. Criteria: ACMG Guidelines, 2015. Collection method: clinical testing. Allele origin: germline.
Comment: This missense variant replaces asparagine with lysine at codon 497 of the FBN1 protein. Computational prediction is inconclusive regarding the impact of this variant on protein structure and function (internally defined REVEL score threshold 0.5 < inconclusive < 0.7, PMID: 27666373). To our knowledge, functional studies have not been reported for this variant. This variant has not been reported in individuals affected with FBN1-related disorders in the literature. This variant has not been identified in the general population by the Genome Aggregation Database (gnomAD). The available evidence is insufficient to determine the role of this variant in disease conclusively. Therefore, this variant is classified as a Variant of Uncertain Significance.

Literature cited by the submitters: PubMed 27307692 (cited by Labcorp Genetics (formerly Invitae), Labcorp).

NM_000138.5(FBN1):c.1491C>G (p.Asn497Lys)

Gene: FBN1 (fibrillin 1; minus strand). Cytogenetic location: 15q21.1.
Variant type: single nucleotide variant.
Coding change: c.1491C>G on transcript NM_000138.5 (MANE Select); coding-DNA position 1491, C replaced by G.
Protein change: p.Asn497Lys; replaces asparagine 497 with lysine.
Molecular consequence: missense variant.
Genome position (GRCh38, 1-based): chr15:48,513,646, G>C on the plus strand (C>G on the coding strand, the complement: FBN1 is on the minus strand). VCF-style: chr15-48513646-G-C. GRCh37 (hg19) VCF-style: chr15-48805843-G-C.
Other names: c.1491C>G, p.Asn497Lys (NM_001406716.1); short protein forms N497K.
Identifiers: ClinVar variation 2773387 (VCV002773387.4), dbSNP rs1364476987, ClinGen allele CA392342735.
Genomic context (GRCh38, chr15:48,513,646, plus strand): 5'-AGCTCGGCACTGACAGGTGTACGAACCCTGGTTGTTAATACACTCACCACCAGCACAGGG[G>C]TTTTTCTCACATTCATCAACATCTGCAAAGCACAATGTATTTTAGTGCAAAATTACATAG-3'
Protein context (NP_000129.3, residues 487-507): ECIDVDECEK[Asn497Lys]PCAGGECINN